The following is an entry in ClinVar:

ClinVar aggregate classification (germline): Uncertain significance (1 of 4 stars; one submission).

Conditions:
Candidiasis, familial, 9 (CANDF9). Identifiers: Orphanet 1334, MedGen C4225324, MONDO:0014642, OMIM 616445.

gnomAD v4.1: 4 of 1,546,992 alleles (0.00026%); highest among the groups gnomAD compares: Non-Finnish European, 0.00035%; no homozygotes.

Submission:

Labcorp Genetics (formerly Invitae), Labcorp
Classification: Uncertain significance for Candidiasis, familial, 9. Last evaluated: 2023-07-25. Review status: criteria provided, single submitter. Criteria: Invitae Variant Classification Sherloc (09022015). Collection method: clinical testing. Allele origin: germline.
Comment: In summary, the available evidence is currently insufficient to determine the role of this variant in disease. Therefore, it has been classified as a Variant of Uncertain Significance. An algorithm developed to predict the effect of missense changes on protein structure and function (PolyPhen-2) suggests that this variant is likely to be disruptive. This variant has not been reported in the literature in individuals affected with IL17RC-related conditions. This variant is not present in population databases (gnomAD no frequency). This sequence change replaces valine, which is neutral and non-polar, with methionine, which is neutral and non-polar, at codon 615 of the IL17RC protein (p.Val615Met).

NM_153460.4(IL17RC):c.1630G>A (p.Val544Met)

Gene: IL17RC (interleukin 17 receptor C; plus strand). Cytogenetic location: 3p25.3.
Variant type: single nucleotide variant.
Coding change: c.1630G>A on transcript NM_153460.4 (MANE Select); coding-DNA position 1630, G replaced by A.
Protein change: p.Val544Met; replaces valine 544 with methionine.
Molecular consequence: missense variant. On other transcripts: non-coding transcript variant (1).
Genome position (GRCh38, 1-based): chr3:9,933,060, G>A. VCF-style: chr3-9933060-G-A. GRCh37 (hg19) VCF-style: chr3-9974744-G-A.
Other names: c.1591G>A, p.Val531Met (NM_001203263.2); c.1540G>A, p.Val514Met (NM_001203264.2); c.1534G>A, p.Val512Met (NM_001203265.2); c.1552G>A, p.Val518Met (NM_001367278.1); c.1471G>A, p.Val491Met (NM_001367279.1); c.1546G>A, p.Val516Met (NM_001367280.1); c.1495G>A, p.Val499Met (NM_001410711.1); c.1585G>A, p.Val529Met (NM_032732.6); and 1 more; short protein forms V499M, V518M, V529M, V512M, V514M, V516M, V491M, V531M.
Identifiers: ClinVar variation 2792951 (VCV002792951.3), dbSNP rs2470436349, ClinGen allele CA351705013.